The following is an entry in ClinVar:

NM_001166108.2(PALLD):c.3304T>G (p.Ser1102Ala)

Genes: CBR4 (carbonyl reductase 4; minus strand), PALLD (palladin, cytoskeletal associated protein; plus strand). Cytogenetic location: 4q32.3.
Variant type: single nucleotide variant.
Coding change: c.3304T>G on transcript NM_001166108.2 (MANE Select); coding-DNA position 3304, T replaced by G.
Protein change: p.Ser1102Ala; replaces serine 1102 with alanine.
Molecular consequence: missense variant.
Genome position (GRCh38, 1-based): chr4:168,925,024, T>G. VCF-style: chr4-168925024-T-G. GRCh37 (hg19) VCF-style: chr4-169846175-T-G.
Other names: c.2107T>G, p.Ser703Ala (NM_001166109.2); c.1792T>G, p.Ser598Ala (NM_001166110.2); c.1132T>G, p.Ser378Ala (NM_001367567.1, NM_001367569.1); c.1183T>G, p.Ser395Ala (NM_001367568.1, NM_001367570.1); c.3253T>G, p.Ser1085Ala (NM_016081.4); short protein forms S598A, S1102A, S703A, S1085A, S378A, S395A.
Identifiers: ClinVar variation 3885307 (VCV003885307.1).

ClinVar aggregate classification (germline): Uncertain significance (1 of 4 stars; one submission).

Submission:

Ambry Genetics
Classification: Uncertain significance. Last evaluated: 2025-01-14. Review status: criteria provided, single submitter. Criteria: Ambry Variant Classification Scheme 2023. Collection method: clinical testing. Allele origin: germline.
Comment: The p.S598A variant (also known as c.1792T>G), located in coding exon 10 of the PALLD gene, results from a T to G substitution at nucleotide position 1792. The serine at codon 598 is replaced by alanine, an amino acid with similar properties. This amino acid position is conserved. In addition, the in silico prediction for this alteration is inconclusive. Based on the available evidence, the clinical significance of this variant remains unclear.